The following is an entry in ClinVar:

NM_005909.5(MAP1B):c.5353T>G (p.Ser1785Ala)

Gene: MAP1B (microtubule associated protein 1B; plus strand). Cytogenetic location: 5q13.2.
Variant type: single nucleotide variant.
Coding change: c.5353T>G on transcript NM_005909.5 (MANE Select); coding-DNA position 5353, T replaced by G.
Protein change: p.Ser1785Ala; replaces serine 1785 with alanine.
Molecular consequence: missense variant.
Genome position (GRCh38, 1-based): chr5:72,198,708, T>G. VCF-style: chr5-72198708-T-G. GRCh37 (hg19) VCF-style: chr5-71494535-T-G.
Other names: c.4975T>G, p.Ser1659Ala (NM_001324255.2); short protein forms S1659A, S1785A.
Identifiers: ClinVar variation 4995708 (VCV004995708.1).
Genomic context (GRCh38, chr5:72,198,708, plus strand): 5'-CTCACCTCTGAAAAAGTGCAAAGTCTGGAAGGAGAGAAGCTCTCTCCAAAATCTGATATC[T>G]CTCCACTCACCCCACGAGAGTCCTCTCCTTTATATTCACCTACTTTTTCAGATTCTACCT-3'
Protein context (NP_005900.2, residues 1775-1795): GEKLSPKSDI[Ser1785Ala]PLTPRESSPL

ClinVar aggregate classification (germline): Uncertain significance (1 of 4 stars; one submission).

Conditions:
MAP1B-related disorder. Also called: MAP1B-related condition.

Submission:

PreventionGenetics, part of Exact Sciences
Classification: Uncertain significance for MAP1B-related condition. Last evaluated: 2026-06-30. Review status: criteria provided, single submitter. Criteria: ACMG Guidelines, 2015. Collection method: clinical testing. Allele origin: germline.
Comment: The MAP1B c.5353T>G variant is predicted to result in the amino acid substitution p.Ser1785Ala. To our knowledge, this variant has not been reported in the literature or in a large population database (gnomAD), indicating this variant is rare. At this time, the clinical significance of this variant is uncertain due to the absence of conclusive functional and genetic evidence.